The following is an entry in ClinVar:

NM_002691.4(POLD1):c.187G>A (p.Glu63Lys)

Gene: POLD1 (DNA polymerase delta 1, catalytic subunit; plus strand). Cytogenetic location: 19q13.33.
Variant type: single nucleotide variant.
Coding change: c.187G>A on transcript NM_002691.4 (MANE Select); coding-DNA position 187, G replaced by A.
Protein change: p.Glu63Lys; replaces glutamic acid 63 with lysine.
Molecular consequence: missense variant. On other transcripts: non-coding transcript variant (1).
Genome position (GRCh38, 1-based): chr19:50,399,038, G>A. VCF-style: chr19-50399038-G-A. GRCh37 (hg19) VCF-style: chr19-50902295-G-A.
Other names: c.187G>A, p.Glu63Lys (NM_001256849.1, NM_001308632.1); c.187G>A (NM_002691.2); short protein forms E63K.
Identifiers: ClinVar variation 407981 (VCV000407981.37), dbSNP rs200736325, ClinGen allele CA9595627.

ClinVar aggregate classification (germline): Conflicting classifications of pathogenicity. Review status: criteria provided, conflicting classifications (1 of 4 stars). 6 submissions from 6 submitters: Uncertain significance (3); Likely benign (3). Last evaluated 2026-01-27.

Conditions:
POLD1-related disorder. Also called: POLD1-related condition; POLD1-related disorders.
Hereditary cancer-predisposing syndrome. Also called: Tumor predisposition; Hereditary neoplastic syndrome; Hereditary Cancer Syndrome; Neoplastic Syndromes, Hereditary. Identifiers: Orphanet 140162, MedGen C0027672, MeSH D009386, MONDO:0015356.
POLD1-related polyposis and colorectal cancer syndrome (CRCS10). Also called: COLORECTAL CANCER, SUSCEPTIBILITY TO, ON CHROMOSOME 19q; Colorectal cancer 10; Colorectal cancer, susceptibility to, 10. Identifiers: Orphanet 220460, MedGen C2675481, MONDO:0012953, OMIM 612591.

Allele frequency attached by ClinVar (database versions not stated): gnomAD exomes 0.00003 and 0.00007; ExAC 0.00004; gnomAD 0.00008 and 0.00009; TOPMed 0.00013; 1000 Genomes Project 30x 0.00016; 1000 Genomes Project 0.00020.

Submissions (6):

Labcorp Genetics (formerly Invitae), Labcorp
Classification: Uncertain significance for POLD1-related polyposis and colorectal cancer syndrome. Last evaluated: 2026-01-27. Review status: criteria provided, single submitter. Criteria: Invitae Variant Classification Sherloc (09022015). Collection method: clinical testing. Allele origin: germline.
Comment: This sequence change replaces glutamic acid, which is acidic and polar, with lysine, which is basic and polar, at codon 63 of the POLD1 protein (p.Glu63Lys). This variant is present in population databases (rs200736325, gnomAD 0.04%), and has an allele count higher than expected for a pathogenic variant. This variant has not been reported in the literature in individuals affected with POLD1-related conditions. ClinVar contains an entry for this variant (Variation ID: 407981). Invitae Evidence Modeling of protein sequence and biophysical properties (such as structural, functional, and spatial information, amino acid conservation, physicochemical variation, residue mobility, and thermodynamic stability) indicates that this missense variant is not expected to disrupt POLD1 protein function with a negative predictive value of 80%. In summary, the available evidence is currently insufficient to determine the role of this variant in disease. Therefore, it has been classified as a Variant of Uncertain Significance.

PreventionGenetics, part of Exact Sciences
Classification: Uncertain significance for POLD1-related condition. Last evaluated: 2024-12-10. Review status: criteria provided, single submitter. Criteria: ACMG Guidelines, 2015. Collection method: clinical testing. Allele origin: germline.
Comment: The POLD1 c.187G>A variant is predicted to result in the amino acid substitution p.Glu63Lys. To our knowledge, this variant has not been reported in the literature. This variant is reported in 0.043% of alleles in individuals of Latino descent in gnomAD, which may be too common to be a primary cause of disease. This variant has conflicting interpretations of likely benign and uncertain significance in ClinVar. Although we suspect that this variant may be benign, at this time, the clinical significance of this variant is uncertain due to the absence of conclusive functional and genetic evidence.

CeGaT Center for Human Genetics Tuebingen
Classification: Likely benign. Last evaluated: 2023-12-01. Review status: criteria provided, single submitter. Criteria: CeGaT Center For Human Genetics Tuebingen Variant Classification Criteria Version 2. Collection method: clinical testing. Allele origin: germline. Affected: yes. Observed: 1 variant allele.
Comment: POLD1: BP4

Ambry Genetics
Classification: Likely benign for Hereditary cancer-predisposing syndrome. Last evaluated: 2023-01-27. Review status: criteria provided, single submitter. Criteria: Ambry Variant Classification Scheme 2023. Collection method: clinical testing. Allele origin: germline.

GeneDx
Classification: Likely benign. Last evaluated: 2019-07-03. Review status: criteria provided, single submitter. Criteria: GeneDx Variant Classification Process June 2021. Collection method: clinical testing. Allele origin: germline. Affected: yes.

Quest Diagnostics Nichols Institute San Juan Capistrano
Classification: Uncertain significance. Last evaluated: 2017-05-15. Review status: criteria provided, single submitter. Criteria: Quest Diagnostics criteria. Collection method: clinical testing. Allele origin: germline.